The following is an entry in ClinVar:

ClinVar aggregate classification (germline): Pathogenic/Likely pathogenic. Review status: criteria provided, multiple submitters, no conflicts (2 of 4 stars). 3 submissions from 3 submitters: Pathogenic (1); Likely pathogenic (2). Last evaluated 2024-02-24.

Conditions:
Cardioencephalomyopathy, fatal infantile, due to cytochrome c oxidase deficiency 1 (MC4DN2). Also called: CYTOCHROME c OXIDASE DEFICIENCY, FATAL INFANTILE, WITH CARDIOENCEPHALOMYOPATHY; MITOCHONDRIAL COMPLEX IV DEFICIENCY, NUCLEAR TYPE 2. Identifiers: Orphanet 1561, MedGen C5399977, MONDO:0011451, OMIM 604377.

Submissions (3):

Labcorp Genetics (formerly Invitae), Labcorp
Classification: Pathogenic. Last evaluated: 2024-02-24. Review status: criteria provided, single submitter. Criteria: Invitae Variant Classification Sherloc (09022015). Collection method: clinical testing. Allele origin: germline.
Comment: This sequence change creates a premature translational stop signal (p.Glu45Aspfs*36) in the SCO2 gene. While this is not anticipated to result in nonsense mediated decay, it is expected to disrupt the last 222 amino acid(s) of the SCO2 protein. This variant is present in population databases (no rsID available, gnomAD 0.0009%). This variant has not been reported in the literature in individuals affected with SCO2-related conditions. This variant disrupts a region of the SCO2 protein in which other variant(s) (p.Gly193Ser) have been determined to be pathogenic (PMID: 19353847, 29193756, 32600061). This suggests that this is a clinically significant region of the protein, and that variants that disrupt it are likely to be disease-causing. For these reasons, this variant has been classified as Pathogenic.

Baylor Genetics
Classification: Likely pathogenic for Cardioencephalomyopathy, fatal infantile, due to cytochrome c oxidase deficiency 1. Last evaluated: 2024-02-08. Review status: criteria provided, single submitter. Criteria: ACMG Guidelines, 2015. Collection method: clinical testing. Allele origin: unknown.

Department of Pathology and Laboratory Medicine, Sinai Health System
Classification: Likely pathogenic for Cardioencephalomyopathy, fatal infantile, due to cytochrome c oxidase deficiency 1. Last evaluated: 2022-03-17. Review status: criteria provided, single submitter. Criteria: ACMG Guidelines, 2015. Collection method: research. Allele origin: germline.

Literature cited by the submitters: PubMed 19353847 (cited by Labcorp Genetics (formerly Invitae), Labcorp); PubMed 29193756 (cited by Labcorp Genetics (formerly Invitae), Labcorp); PubMed 32600061 (cited by Labcorp Genetics (formerly Invitae), Labcorp).

NM_005138.3(SCO2):c.135_136del (p.Glu45fs)

Genes: NCAPH2 (non-SMC condensin II complex subunit H2; plus strand), SCO2 (synthesis of cytochrome C oxidase 2; minus strand). Cytogenetic location: 22q13.33.
Variant type: Microsatellite.
Coding change: c.135_136del on transcript NM_005138.3 (MANE Select); coding-DNA positions 135 to 136, 2 bases deleted (GA; older notation c.135_136delGA).
Protein change: p.Glu45fs; shifts the reading frame from glutamic acid 45.
Molecular consequence: frameshift variant. On other transcripts: 3 prime UTR variant (2).
Genome position (GRCh38, 1-based): chr22:50,524,276-50,524,277, TC deleted on the plus strand (GA on the coding strand, the reverse complement: SCO2 is on the minus strand); deleting any 2 consecutive bases within chr22:50,524,276-50,524,280 gives the same sequence; the c. name uses the placement nearest the transcript's 3' end. VCF-style (leftmost placement, unchanged base first): chr22-50524275-GTC-G. GRCh37 (hg19) VCF-style: chr22-50962704-GTC-G.
Other names: c.*902CT[1] (NM_001185011.2, NM_152299.4); c.135_136del, p.Glu45fs (NM_001169109.2, NM_001169110.1, NM_001169111.2); short protein forms E45fs.
Identifiers: ClinVar variation 3240428 (VCV003240428.4), dbSNP rs1426095369.
Genomic context (GRCh38, chr22:50,524,275, plus strand): 5'-AGGCCTGTGATCAGCAGCCGGGTTCGAAGCCCAGGGCCCTGGGGCTGGCCCTGCCCACCT[GTC>G]TCTGCAGGGCCCTGCCTTGACAAAAGCCAGGACCTCAGATGCAGGGCCTGGCCTCCCAGG-3'